The following is an entry in ClinVar:

NM_000443.4(ABCB4):c.139C>T (p.Arg47Ter)

Gene: ABCB4 (ATP binding cassette subfamily B member 4; minus strand). Cytogenetic location: 7q21.12.
Variant type: single nucleotide variant.
Coding change: c.139C>T on transcript NM_000443.4 (MANE Select); coding-DNA position 139, C replaced by T.
Protein change: p.Arg47Ter; replaces arginine 47 with a stop codon.
Molecular consequence: nonsense.
Genome position (GRCh38, 1-based): chr7:87,462,905, G>A on the plus strand (C>T on the coding strand, the complement: ABCB4 is on the minus strand). VCF-style: chr7-87462905-G-A. GRCh37 (hg19) VCF-style: chr7-87092221-G-A.
Other names: p.Arg47*; c.139C>T (NM_000443.3); c.139C>T, p.Arg47Ter (NM_018849.3, NM_018850.3); short protein forms R47*.
Identifiers: ClinVar variation 502776 (VCV000502776.18), dbSNP rs376926391, ClinGen allele CA4327608.
Genomic context (GRCh38, chr7:87,462,905, plus strand): 5'-GAGCTATGGCCATGATGGTACCCAGCGACATAAACAATTTATCCTGCCAATCGGAGTATC[G>A]AAACTAAAAAAAGGAAATAAAATAATACTTAGCTGTGGAATGGAATTTCTCCTCTTCCAT-3'

ClinVar aggregate classification (germline): Pathogenic. Review status: criteria provided, multiple submitters, no conflicts (2 of 4 stars). 6 submissions from 6 submitters: Pathogenic (6). Last evaluated 2026-05-13.

Conditions:
Low phospholipid associated cholelithiasis (GBD1). Also called: Gallstone cholecystitis; Gallbladder disease 1. Identifiers: Orphanet 69663, MedGen C2609268, MONDO:0010939, OMIM 600803.
Familial intrahepatic cholestasis. Identifiers: Orphanet 284385, MedGen CN296401, MONDO:0017290.
ABCB4-related disorder. Also called: ABCB4-related disorders; ABCB4-related condition.

Allele frequency attached by ClinVar (database versions not stated): gnomAD exomes 0.00001; ESP Exome Variant Server 0.00008; ExAC 0.00001.

Submissions (6):

PreventionGenetics, part of Exact Sciences
Classification: Pathogenic for ABCB4-related condition. Last evaluated: 2026-05-13. Review status: criteria provided, single submitter. Criteria: ACMG Guidelines, 2015. Collection method: clinical testing. Allele origin: germline.
Comment: The ABCB4 c.139C>T variant is predicted to result in premature protein termination (p.Arg47*). This variant has been reported in the compound heterozygous state in at least four individuals with cholestatic liver disease (Cases #1 and #2 in Table 3, Ziol et al. 2008. PubMed ID: 18482588; Case #13 in Table 1, Fang et al. 2012. PubMed ID: 22343912; Patient #2 in Table 1, Poupon et al. 2013. PubMed ID: 23533021). This variant was also reported in the heterozygous state in individuals with low phospholipid-associated cholelithiasis, intrahepatic cholestasis of pregnancy, or oral contraceptive-induced cholestasis (Patients #1 and #3 in Table 1, Poupon et al. 2013. PubMed ID: 23533021; Cases #110037 and #110064 in Table S1, de Vries et al. 2020. PubMed ID: 32893960). This variant is reported in 0.0033% of alleles in individuals of South Asian descent in gnomAD. Nonsense variants in ABCB4 are expected to be pathogenic. This variant is interpreted as pathogenic.

Genomenon, Inc
Classification: Pathogenic for Familial intrahepatic cholestasis; Low phospholipid associated cholelithiasis. Last evaluated: 2026-04-14. Review status: criteria provided, single submitter. Criteria: Genomenon Sequence Variant Interpretation Standards - Updated. Collection method: curation. Allele origin: germline. Affected: yes.
Comment: ABCB4 p.Arg47Ter (c.139C>T) is a nonsense variant that introduces a premature stop codon at amino acid position 47, creating a truncated protein that is predicted to undergo nonsense-mediated mRNA decay. This variant has been observed in at least one proband with an ABCB4-related disorder (PMID:37701337;29761167;22343912;23533021;18482588). The variant was found to segregate with disease in at least one affected family (PMID:29761167;18482588). It is absent or not present at a significant frequency in gnomAD. In conclusion, we classify ABCB4 p.Arg47Ter (c.139C>T) as a pathogenic variant.

Labcorp Genetics (formerly Invitae), Labcorp
Classification: Pathogenic. Last evaluated: 2025-08-10. Review status: criteria provided, single submitter. Criteria: Invitae Variant Classification Sherloc (09022015). Collection method: clinical testing. Allele origin: germline.
Comment: This sequence change creates a premature translational stop signal (p.Arg47*) in the ABCB4 gene. It is expected to result in an absent or disrupted protein product. Loss-of-function variants in ABCB4 are known to be pathogenic (PMID: 17726488, 25755532). This variant is present in population databases (rs376926391, gnomAD 0.003%). This premature translational stop signal has been observed in individual(s) with clinical features of progressive familial intrahepatic cholestasis (PMID: 18482588). ClinVar contains an entry for this variant (Variation ID: 502776). For these reasons, this variant has been classified as Pathogenic.

Blueprint Genetics
Classification: Pathogenic for ABCB4-related disorders. Last evaluated: 2023-11-28. Review status: criteria provided, single submitter. Criteria: ACMG Guidelines, 2015. Collection method: clinical testing. Allele origin: germline. Affected: yes. Observed: 1 variant allele.

Mayo Clinic Laboratories, Mayo Clinic
Classification: Pathogenic. Last evaluated: 2021-05-10. Review status: criteria provided, single submitter. Criteria: ACMG Guidelines, 2015. Collection method: clinical testing. Allele origin: germline.
Comment: PVS1, PM2, PS4_moderate

Eurofins Ntd Llc (ga)
Classification: Pathogenic. Last evaluated: 2017-06-29. Review status: criteria provided, single submitter. Criteria: EGL Classification Definitions 2015. Collection method: clinical testing. Allele origin: germline. Observed: 2 variant alleles, 2 heterozygotes.

Literature cited by the submitters: PubMed 37701337 (cited by Genomenon, Inc); PubMed 29761167 (cited by Genomenon, Inc and Mayo Clinic Laboratories, Mayo Clinic); PubMed 22343912 (cited by Genomenon, Inc and Mayo Clinic Laboratories, Mayo Clinic); PubMed 23533021 (cited by Genomenon, Inc and Mayo Clinic Laboratories, Mayo Clinic); PubMed 18482588 (cited by 3 submitters); PubMed 17726488 (cited by Labcorp Genetics (formerly Invitae), Labcorp); PubMed 25755532 (cited by Labcorp Genetics (formerly Invitae), Labcorp); PubMed 22527017 (cited by Mayo Clinic Laboratories, Mayo Clinic); PubMed 32893960 (cited by Mayo Clinic Laboratories, Mayo Clinic); PubMed 33390354 (cited by Mayo Clinic Laboratories, Mayo Clinic).